The following is an entry in ClinVar:

ClinVar aggregate classification (germline): Pathogenic (1 of 4 stars; one submission).

Conditions:
Multiple congenital exostosis (EXT). Also called: Hereditary multiple osteochondromas; MULTIPLE CARTILAGINOUS EXOSTOSES; Hereditary multiple exostoses; Hereditary multiple exostosis; Multiple osteochondromas; Multiple exostoses. Identifiers: Orphanet 321, MedGen C0015306, MONDO:0005508, HP:0002762.

Submission:

Labcorp Genetics (formerly Invitae), Labcorp
Classification: Pathogenic for Multiple congenital exostosis. Last evaluated: 2025-12-01. Review status: criteria provided, single submitter. Criteria: Invitae Variant Classification Sherloc (09022015). Collection method: clinical testing. Allele origin: germline.
Comment: This sequence change creates a premature translational stop signal (p.Arg163Glufs*12) in the EXT1 gene. It is expected to result in an absent or disrupted protein product. Loss-of-function variants in EXT1 are known to be pathogenic (PMID: 10679937, 11391482, 19810120). This variant is not present in population databases (gnomAD no frequency). This variant has not been reported in the literature in individuals affected with EXT1-related conditions. For these reasons, this variant has been classified as Pathogenic.

Literature cited by the submitters: PubMed 10679937; PubMed 11391482; PubMed 19810120.

NM_000127.3(EXT1):c.487del (p.Arg163fs)

Gene: EXT1 (exostosin glycosyltransferase 1; minus strand). Cytogenetic location: 8q24.11.
Variant type: Deletion.
Coding change: c.487del on transcript NM_000127.3 (MANE Select); coding-DNA position 487, one base deleted (A; older notation c.487delA).
Protein change: p.Arg163fs; shifts the reading frame from arginine 163.
Molecular consequence: frameshift variant.
Genome position (GRCh38, 1-based): chr8:118,110,560, T deleted on the plus strand (A on the coding strand, the reverse complement: EXT1 is on the minus strand). VCF-style (leftmost placement, unchanged base first): chr8-118110559-CT-C. GRCh37 (hg19) VCF-style: chr8-119122798-CT-C.
Other names: short protein forms R163fs.
Identifiers: ClinVar variation 4732344 (VCV004732344.1).